The following is an entry in ClinVar:

NM_001199753.2(CPT1C):c.463C>T (p.Arg155Cys)

Gene: CPT1C (carnitine palmitoyltransferase 1C; plus strand). Cytogenetic location: 19q13.33.
Variant type: single nucleotide variant.
Coding change: c.463C>T on transcript NM_001199753.2 (MANE Select); coding-DNA position 463, C replaced by T.
Protein change: p.Arg155Cys; replaces arginine 155 with cysteine.
Molecular consequence: missense variant. On other transcripts: non-coding transcript variant (1).
Genome position (GRCh38, 1-based): chr19:49,701,326, C>T. VCF-style: chr19-49701326-C-T. GRCh37 (hg19) VCF-style: chr19-50204583-C-T.
Other names: c.463C>T, p.Arg155Cys (NM_001136052.3, NM_001199752.3, NM_001378482.1 and 7 more transcripts); short protein forms R155C.
Identifiers: ClinVar variation 1510209 (VCV001510209.6), dbSNP rs775732767, ClinGen allele CA9581810.

ClinVar aggregate classification (germline): Uncertain significance (1 of 4 stars; one submission).

Conditions:
Hereditary spastic paraplegia 73. Also called: Spastic paraplegia 73, autosomal dominant. Identifiers: Orphanet 444099, MedGen C5568981, MONDO:0014568, OMIM 616282.

Allele frequency attached by ClinVar (database versions not stated): gnomAD exomes below 0.00001; ExAC 0.00001; gnomAD 0.00001; TOPMed 0.00001.

Submission:

Labcorp Genetics (formerly Invitae), Labcorp
Classification: Uncertain significance for Hereditary spastic paraplegia 73. Last evaluated: 2021-10-03. Review status: criteria provided, single submitter. Criteria: Invitae Variant Classification Sherloc (09022015). Collection method: clinical testing. Allele origin: germline.
Comment: In summary, the available evidence is currently insufficient to determine the role of this variant in disease. Therefore, it has been classified as a Variant of Uncertain Significance. Algorithms developed to predict the effect of missense changes on protein structure and function (SIFT, PolyPhen-2, Align-GVGD) all suggest that this variant is likely to be disruptive. This variant has not been reported in the literature in individuals affected with CPT1C-related conditions. This variant is present in population databases (rs775732767, ExAC 0.002%). This sequence change replaces arginine with cysteine at codon 155 of the CPT1C protein (p.Arg155Cys). The arginine residue is moderately conserved and there is a large physicochemical difference between arginine and cysteine.